The following is an entry in ClinVar:

NM_019842.4(KCNQ5):c.2104T>G (p.Phe702Val)

Gene: KCNQ5 (potassium voltage-gated channel subfamily Q member 5; plus strand). Cytogenetic location: 6q13.
Variant type: single nucleotide variant.
Coding change: c.2104T>G on transcript NM_019842.4 (MANE Select); coding-DNA position 2104, T replaced by G.
Protein change: p.Phe702Val; replaces phenylalanine 702 with valine.
Molecular consequence: missense variant.
Genome position (GRCh38, 1-based): chr6:73,194,719, T>G. VCF-style: chr6-73194719-T-G. GRCh37 (hg19) VCF-style: chr6-73904442-T-G.
Other names: c.2077T>G, p.Phe693Val (NM_001160130.2); c.2134T>G, p.Phe712Val (NM_001160132.2); c.2161T>G, p.Phe721Val (NM_001160133.2); c.1774T>G, p.Phe592Val (NM_001160134.2); short protein forms F592V, F693V, F702V, F712V, F721V.
Identifiers: ClinVar variation 2979189 (VCV002979189.4), dbSNP rs1765718401, ClinGen allele CA364695251.

ClinVar aggregate classification (germline): Uncertain significance. Review status: criteria provided, multiple submitters, no conflicts (2 of 4 stars). 2 submissions from 2 submitters: Uncertain significance (2). Last evaluated 2023-10-05.

Allele frequency attached by ClinVar (database versions not stated): gnomAD exomes below 0.00001; TOPMed below 0.00001.
gnomAD v4.1: 2 of 1,614,222 alleles (0.00012%); highest among the groups gnomAD compares: Middle Eastern, 0.033%; no homozygotes.

Submissions (2):

Labcorp Genetics (formerly Invitae), Labcorp
Classification: Uncertain significance. Last evaluated: 2023-10-05. Review status: criteria provided, single submitter. Criteria: Invitae Variant Classification Sherloc (09022015). Collection method: clinical testing. Allele origin: germline.
Comment: This sequence change replaces phenylalanine, which is neutral and non-polar, with valine, which is neutral and non-polar, at codon 721 of the KCNQ5 protein (p.Phe721Val). This variant is not present in population databases (gnomAD no frequency). This variant has not been reported in the literature in individuals affected with KCNQ5-related conditions. Advanced modeling of protein sequence and biophysical properties (such as structural, functional, and spatial information, amino acid conservation, physicochemical variation, residue mobility, and thermodynamic stability) performed at Invitae indicates that this missense variant is not expected to disrupt KCNQ5 protein function. In summary, the available evidence is currently insufficient to determine the role of this variant in disease. Therefore, it has been classified as a Variant of Uncertain Significance.

Blueprint Genetics
Classification: Uncertain significance. Last evaluated: 2020-05-07. Review status: criteria provided, single submitter. Criteria: ACMG Guidelines, 2015. Collection method: clinical testing. Allele origin: germline.